The following is an entry in ClinVar:

ClinVar aggregate classification (germline): Uncertain significance (1 of 4 stars; one submission).

Conditions:
Familial cancer of breast. Also called: hereditary breast carcinoma; Hereditary breast cancer; BREAST CANCER, FAMILIAL. Identifiers: Orphanet 227535, MedGen C0346153, MONDO:0016419, OMIM 114480. Disease mechanism: loss of function.

Submission:

Labcorp Genetics (formerly Invitae), Labcorp
Classification: Uncertain significance for Familial cancer of breast. Last evaluated: 2022-09-19. Review status: criteria provided, single submitter. Criteria: Invitae Variant Classification Sherloc (09022015). Collection method: clinical testing. Allele origin: germline.
Comment: In summary, the available evidence is currently insufficient to determine the role of this variant in disease. Therefore, it has been classified as a Variant of Uncertain Significance. Algorithms developed to predict the effect of missense changes on protein structure and function output the following: SIFT: "Tolerated"; PolyPhen-2: "Benign"; Align-GVGD: "Class C0". The proline amino acid residue is found in multiple mammalian species, which suggests that this missense change does not adversely affect protein function. ClinVar contains an entry for this variant (Variation ID: 1408239). This variant has not been reported in the literature in individuals affected with BARD1-related conditions. This variant is not present in population databases (gnomAD no frequency). This sequence change replaces threonine, which is neutral and polar, with proline, which is neutral and non-polar, at codon 343 of the BARD1 protein (p.Thr343Pro).

NM_000465.4(BARD1):c.1027A>C (p.Thr343Pro)

Gene: BARD1 (BRCA1 associated RING domain 1; minus strand). Cytogenetic location: 2q35.
Variant type: single nucleotide variant.
Coding change: c.1027A>C on transcript NM_000465.4 (MANE Select); coding-DNA position 1027, A replaced by C.
Protein change: p.Thr343Pro; replaces threonine 343 with proline.
Molecular consequence: missense variant. On other transcripts: non-coding transcript variant (2), intron variant (3).
Genome position (GRCh38, 1-based): chr2:214,780,847, T>G on the plus strand (A>C on the coding strand, the complement: BARD1 is on the minus strand). VCF-style: chr2-214780847-T-G. GRCh37 (hg19) VCF-style: chr2-215645571-T-G.
Other names: c.970A>C, p.Thr324Pro (NM_001282543.2); c.159-28292A>C (NM_001282548.2); c.215+16214A>C (NM_001282545.2); c.364+11450A>C (NM_001282549.2); short protein forms T343P, T324P.
Identifiers: ClinVar variation 1408239 (VCV001408239.9), dbSNP rs2106109159, ClinGen allele CA350454285.